The following is an entry in ClinVar:

ClinVar aggregate classification (germline): Uncertain significance. Review status: criteria provided, single submitter (1 of 4 stars). 2 submissions from 2 submitters: Uncertain significance (1). 1 of the submissions does not count toward it. Last evaluated 2024-04-16.

Conditions:
KMT2D-related disorder. Also called: KMT2D-Related Disorders.
Kabuki syndrome. Also called: NIIKAWA-KUROKI SYNDROME; Kabuki make-up syndrome. Identifiers: Orphanet 2322, MedGen C0796004, MONDO:0016512.

Allele frequency attached by ClinVar (database versions not stated): TOPMed 0.00002; gnomAD 0.00003; gnomAD exomes 0.00003.
gnomAD v4.1: 51 of 1,613,530 alleles (0.0032%); highest among the groups gnomAD compares: Non-Finnish European, 0.0042%; no homozygotes.

Submissions (2):

Labcorp Genetics (formerly Invitae), Labcorp
Classification: Uncertain significance for Kabuki syndrome. Last evaluated: 2024-04-16. Review status: criteria provided, single submitter. Criteria: Invitae Variant Classification Sherloc (09022015). Collection method: clinical testing. Allele origin: germline.
Comment: This sequence change replaces serine, which is neutral and polar, with glycine, which is neutral and non-polar, at codon 3358 of the KMT2D protein (p.Ser3358Gly). This variant is not present in population databases (gnomAD no frequency). This variant has not been reported in the literature in individuals affected with KMT2D-related conditions. ClinVar contains an entry for this variant (Variation ID: 1394059). Advanced modeling of protein sequence and biophysical properties (such as structural, functional, and spatial information, amino acid conservation, physicochemical variation, residue mobility, and thermodynamic stability) performed at Invitae indicates that this missense variant is not expected to disrupt KMT2D protein function with a negative predictive value of 95%. In summary, the available evidence is currently insufficient to determine the role of this variant in disease. Therefore, it has been classified as a Variant of Uncertain Significance.

PreventionGenetics, part of Exact Sciences
Classification: Uncertain significance for KMT2D-related condition. Last evaluated: 2024-08-06. Review status: no assertion criteria provided. Collection method: clinical testing. Allele origin: germline. Not counted in ClinVar's aggregate classification.
Comment: The KMT2D c.10072A>G variant is predicted to result in the amino acid substitution p.Ser3358Gly. To our knowledge, this variant has not been reported in the literature or in a large population database, indicating this variant is rare. At this time, the clinical significance of this variant is uncertain due to the absence of conclusive functional and genetic evidence.

NM_003482.4(KMT2D):c.10072A>G (p.Ser3358Gly)

Gene: KMT2D (lysine methyltransferase 2D; minus strand). Cytogenetic location: 12q13.12.
Variant type: single nucleotide variant.
Coding change: c.10072A>G on transcript NM_003482.4 (MANE Select); coding-DNA position 10072, A replaced by G.
Protein change: p.Ser3358Gly; replaces serine 3358 with glycine.
Molecular consequence: missense variant.
Genome position (GRCh38, 1-based): chr12:49,037,284, T>C on the plus strand (A>G on the coding strand, the complement: KMT2D is on the minus strand). VCF-style: chr12-49037284-T-C. GRCh37 (hg19) VCF-style: chr12-49431067-T-C.
Other names: c.10072A>G (NM_003482.3); short protein forms S3358G.
Identifiers: ClinVar variation 1394059 (VCV001394059.9), dbSNP rs1193927108, ClinGen allele CA384732661.